The following is an entry in ClinVar:

ClinVar aggregate classification (germline): Conflicting classifications of pathogenicity. Review status: criteria provided, conflicting classifications (1 of 4 stars). 4 submissions from 4 submitters: Uncertain significance (2); Likely benign (2). Last evaluated 2026-05-18.

Conditions:
USH1C-related disorder. Also called: USH1C-related condition.

Allele frequency attached by ClinVar (database versions not stated): TOPMed 0.00018; ESP Exome Variant Server 0.00031.
gnomAD v4.1: 527 of 1,607,796 alleles (0.033%); highest among the groups gnomAD compares: Non-Finnish European, 0.042%; 2 homozygotes.

Submissions (4):

PreventionGenetics, part of Exact Sciences
Classification: Uncertain significance for USH1C-related condition. Last evaluated: 2026-05-18. Review status: criteria provided, single submitter. Criteria: ACMG Guidelines, 2015. Collection method: clinical testing. Allele origin: germline.
Comment: The USH1C c.2696G>T variant is predicted to result in the amino acid substitution p.Arg899Leu. To our knowledge, this variant has not been reported in the literature. This variant is reported in 0.026% of alleles in individuals of European (Non-Finnish) descent in gnomAD. At this time, the clinical significance of this variant is uncertain due to the absence of conclusive functional and genetic evidence.

Labcorp Genetics (formerly Invitae), Labcorp
Classification: Likely benign. Last evaluated: 2026-01-15. Review status: criteria provided, single submitter. Criteria: Invitae Variant Classification Sherloc (09022015). Collection method: clinical testing. Allele origin: germline.

GeneDx
Classification: Uncertain significance. Last evaluated: 2026-01-06. Review status: criteria provided, single submitter. Criteria: GeneDx Variant Classification Process June 2021. Collection method: clinical testing. Allele origin: germline.
Comment: In silico analysis suggests that this missense variant does not alter protein structure/function; Has not been previously published as pathogenic or benign to our knowledge; Reported using an alternate transcript of the gene

Blueprint Genetics
Classification: Likely benign. Last evaluated: 2024-11-25. Review status: criteria provided, single submitter. Criteria: ACMG Guidelines, 2015. Collection method: clinical testing. Allele origin: germline.

NM_153676.4(USH1C):c.2696G>T (p.Arg899Leu)

Gene: USH1C (USH1 protein network component harmonin; minus strand). Cytogenetic location: 11p15.1.
Variant type: single nucleotide variant.
Coding change: c.2696G>T on transcript NM_153676.4 (MANE Select); coding-DNA position 2696, G replaced by T.
Protein change: p.Arg899Leu; replaces arginine 899 with leucine.
Molecular consequence: missense variant. On other transcripts: 3 prime UTR variant (2), non-coding transcript variant (1).
Genome position (GRCh38, 1-based): chr11:17,494,336, C>A on the plus strand (G>T on the coding strand, the complement: USH1C is on the minus strand). VCF-style: chr11-17494336-C-A. GRCh37 (hg19) VCF-style: chr11-17515883-C-A.
Other names: c.*28G>T (NM_001297764.2, NM_005709.4); c.2696G>T (NM_153676.3); short protein forms R899L.
Identifiers: ClinVar variation 734763 (VCV000734763.10), dbSNP rs148376296, ClinGen allele CA5904041.